The following is an entry in ClinVar:

ClinVar aggregate classification (germline): Pathogenic/Likely pathogenic. Review status: criteria provided, multiple submitters, no conflicts (2 of 4 stars). 16 submissions from 16 submitters: Pathogenic (12); Likely pathogenic (2). 2 of the submissions do not count toward it. Last evaluated 2026-08-06.

Conditions:
Hereditary cancer-predisposing syndrome. Also called: Tumor predisposition; Hereditary neoplastic syndrome; Hereditary Cancer Syndrome; Neoplastic Syndromes, Hereditary. Identifiers: Orphanet 140162, MedGen C0027672, MeSH D009386, MONDO:0015356.
Familial cancer of breast. Also called: Hereditary breast cancer; hereditary breast carcinoma; BREAST CANCER, FAMILIAL. Identifiers: Orphanet 227535, MedGen C0346153, MONDO:0016419, OMIM 114480. Disease mechanism: loss of function.
Ataxia-telangiectasia syndrome (AT). Also called: ATAXIA-TELANGIECTASIA, COMPLEMENTATION GROUP A; ATAXIA-TELANGIECTASIA, FRESNO VARIANT; Ataxia-telangiectasia; Ataxia-telangiectasia, complementation group D; AT, COMPLEMENTATION GROUP C; Ataxia-telangiectasia, complementation group E. Identifiers: Orphanet 100, MedGen C0004135, MONDO:0008840, OMIM 208900.

Allele frequency attached by ClinVar (database versions not stated): gnomAD exomes 0.00001 and 0.00002; ExAC 0.00002.
gnomAD v4.1: 7 of 1,613,758 alleles (0.00043%); highest among the groups gnomAD compares: Non-Finnish European, 0.00059%; no homozygotes.

Submissions 1 to 12 of 16:

OLLIN Analises Genomicas, OLLIN
Classification: Pathogenic for Familial cancer of breast. Last evaluated: 2026-08-06. Review status: criteria provided, single submitter. Criteria: ACMG Guidelines 2015 PMID 25741868. Collection method: clinical testing. Allele origin: germline. Inheritance: Autosomal recessive inheritance.
Comment: This variant, located at the canonical splicing site (splice donor), has been reported in ClinVar (accession VCV000370954.15) and in gnomAD with an allele frequency of 0.00043%. However, to our knowledge, it has not been reported in the scientific literature. This variant is predicted to disrupt a canonical splice site, potentially leading to exon skipping, mRNA degradation via nonsense-mediated decay (NMD), or production of a truncated protein. Another pathogenic variant has been reported to result in the same amino acid substitution. According to the currently available evidence, this variant has been classified as pathogenic (PVS1_S, PS1).

CeGaT Center for Human Genetics Tuebingen
Classification: Pathogenic. Last evaluated: 2026-03-01. Review status: criteria provided, single submitter. Criteria: CeGaT Center For Human Genetics Tuebingen Variant Classification Criteria Version 2. Collection method: clinical testing. Allele origin: germline. Affected: yes. Observed: 1 variant allele.
Comment: ATM: PVS1, PS4:Moderate

Center for Genomic Medicine, Rigshospitalet, Copenhagen University Hospital
Classification: Pathogenic. Last evaluated: 2025-12-29. Review status: criteria provided, single submitter. Criteria: ACMG Guidelines, 2015. Collection method: clinical testing. Allele origin: germline.

Variantyx, Inc.
Classification: Pathogenic for Familial cancer of breast. Last evaluated: 2025-12-19. Review status: criteria provided, single submitter. Criteria: Variantyx Assertion Criteria 2022. Collection method: clinical testing. Allele origin: germline. Inheritance: Autosomal dominant inheritance. Affected: yes.
Comment: This is a canonical splicing variant in the ATM gene (OMIM: 607585). Pathogenic variants in this gene have been associated with autosomal dominant susceptibility to breast and other cancers. This splicing variant is expected to result in loss of function, which is a known disease mechanism for ATM in this disorder (PMID: 10980530) (PVS1). This variant has been identified in the homozygous or compound heterozygous state in several individuals reported in the published literature (PMID: 12815592, 10980530) (PM3_Strong) and it has a 0.0006% maximum allele frequency in non-founder control populations (PM2). Based on the current evidence, this variant is classified as pathogenic for autosomal dominant susceptibility to cancer.

Labcorp Genetics (formerly Invitae), Labcorp
Classification: Pathogenic for Ataxia-telangiectasia syndrome. Last evaluated: 2025-11-17. Review status: criteria provided, single submitter. Criteria: Invitae Variant Classification Sherloc (09022015). Collection method: clinical testing. Allele origin: germline.
Comment: This sequence change affects a donor splice site in intron 26 of the ATM gene. RNA analysis indicates that disruption of this splice site induces altered splicing and likely results in the loss of 40 amino acid residue(s), but is expected to preserve the integrity of the reading-frame. This variant is present in population databases (rs200196781, gnomAD 0.004%). Disruption of this splice site has been observed in individual(s) with ataxia-telangiectasia (PMID: 10980530, 12815592). In at least one individual the data is consistent with being in trans (on the opposite chromosome) from a pathogenic variant. This variant is also known as IVS28+1G>A. ClinVar contains an entry for this variant (Variation ID: 141447). Studies have shown that disruption of this splice site results in the activation of a cryptic splice site in exon 26 (PMID: 10980530; internal data). For these reasons, this variant has been classified as Pathogenic.

Department of Clinical Genetics, Copenhagen University Hospital, Rigshospitalet
Classification: Likely pathogenic for Familial cancer of breast; Ataxia-telangiectasia syndrome. Last evaluated: 2025-02-04. Review status: criteria provided, single submitter. Criteria: ACMG Guidelines, 2015. Collection method: clinical testing. Allele origin: germline.
Comment: PVS1;_Strong; PM3_Strong

Department of Pathology and Laboratory Medicine, Sinai Health System
Classification: Pathogenic for Familial cancer of breast; Ataxia-telangiectasia syndrome. Last evaluated: 2024-12-05. Review status: criteria provided, single submitter. Criteria: ACMG Guidelines, 2015. Collection method: clinical testing. Allele origin: germline.

Natera, Inc.
Classification: Pathogenic for Ataxia-telangiectasia. Last evaluated: 2024-07-26. Review status: criteria provided, single submitter. Criteria: Natera Variant Classification Schema (03/2026). Collection method: clinical testing. Allele origin: germline.
Comment: The c.3993+1G>A variant in ATM is a canonical splice donor site variant predicted to affect pre-mRNA splicing, which may result in an abnormal transcript and altered protein product. This variant is expected to result in nonsense mediated decay, truncation, or a dysfunctional protein product. This variant is rare in the general population with a frequency below the threshold expected for the associated phenotype(s). This variant has been observed in one or more individuals affected with the associated recessive disease, as either homozygous or compound heterozygous with a second variant (PMID: 10980530). Given the available evidence, this variant is classified as Pathogenic.

Clinical Genetics Laboratory, Skane University Hospital Lund
Classification: Pathogenic. Last evaluated: 2023-10-16. Review status: criteria provided, single submitter. Criteria: ACMG Guidelines, 2015. Collection method: clinical testing. Allele origin: germline. Affected: yes.

Baylor Genetics
Classification: Pathogenic for Familial cancer of breast. Last evaluated: 2023-02-16. Review status: criteria provided, single submitter. Criteria: ACMG Guidelines, 2015. Collection method: clinical testing. Allele origin: unknown.

Ambry Genetics
Classification: Pathogenic for Hereditary cancer-predisposing syndrome. Last evaluated: 2023-01-30. Review status: criteria provided, single submitter. Criteria: Ambry Variant Classification Scheme 2023. Collection method: clinical testing. Allele origin: germline.
Comment: The c.3993+1G>A intronic pathogenic mutation results from a G to A substitution one nucleotide after coding exon 25 of the ATM gene. This alteration has been described in several ataxia-telangiectasia families (Laake K et al. Hum. Mutat. 2000; 16:232-46; Mitui M et al. Hum. Mutat. 2003; 22:43-50). This alteration has been reported in a cohort of 488 patients with stages I to III breast cancer who were tested with a 25-gene panel test (Tung N et al. J. Clin. Oncol., 2016 May;34:1460-8). This alteration has also been identified in patients with pancreatic cancer (Young EL et al. BMC Cancer, 2018 Jun;18:697). This nucleotide position is highly conserved in available vertebrate species. In silico splice site analysis predicts that this alteration will weaken the native splice donor site and may result in the creation or strengthening of a novel splice donor site. RNA studies have demonstrated that this alteration results in abnormal splicing in the set of samples tested (Ambry internal data). Of note, this alteration is also designated as IVS28+1G>A in published literature. In addition to the clinical data presented in the literature, alterations that disrupt the canonical splice site are expected to cause aberrant splicing, resulting in an abnormal protein or a transcript that is subject to nonsense-mediated mRNA decay. As such, this alteration is classified as pathogenic.

GeneDx
Classification: Pathogenic. Last evaluated: 2022-08-05. Review status: criteria provided, single submitter. Criteria: GeneDx Variant Classification Process June 2021. Collection method: clinical testing. Allele origin: germline. Affected: yes.
Comment: Canonical splice site variant predicted to result in a null allele in a gene for which loss of function is a known mechanism of disease; Not observed at significant frequency in large population cohorts (gnomAD); This variant is associated with the following publications: (PMID: 15390180, 15039971, 29945567, 10980530, 26976419, 25186627, 32853339, 12815592)

NM_000051.4(ATM):c.3993+1G>A

Gene: ATM (ATM serine/threonine kinase; plus strand). Cytogenetic location: 11q22.3.
Variant type: single nucleotide variant.
Coding change: c.3993+1G>A on transcript NM_000051.4 (MANE Select); the canonical splice donor site of the intron after coding-DNA position 3993, G replaced by A.
Molecular consequence: splice donor variant.
Genome position (GRCh38, 1-based): chr11:108,284,474, G>A. VCF-style: chr11-108284474-G-A. GRCh37 (hg19) VCF-style: chr11-108155201-G-A.
Other names: c.3993+1G>A (NM_001351834.2).
Identifiers: ClinVar variation 141447 (VCV000141447.56), dbSNP rs200196781, ClinGen allele CA165426.